The following is an entry in ClinVar:

ClinVar aggregate classification (germline): Uncertain significance (1 of 4 stars; one submission).

Submission:

GeneDx
Classification: Uncertain significance. Last evaluated: 2023-03-18. Review status: criteria provided, single submitter. Criteria: GeneDx Variant Classification Process June 2021. Collection method: clinical testing. Allele origin: germline. Affected: yes.
Comment: Not observed at significant frequency in large population cohorts (gnomAD); Frameshift variant predicted to result in protein extension as the last 76 amino acids are replaced with 136 different amino acids, although loss-of-function variants have not been reported downstream of this position in the protein; Has not been previously published as pathogenic or benign to our knowledge

NM_004608.4(TBX6):c.1080del (p.Ser361fs)

Gene: TBX6 (T-box transcription factor 6; minus strand). Cytogenetic location: 16p11.2.
Variant type: Deletion.
Coding change: c.1080del on transcript NM_004608.4 (MANE Select); coding-DNA position 1080, one base deleted (C; older notation c.1080delC).
Protein change: p.Ser361fs; shifts the reading frame from serine 361.
Molecular consequence: frameshift variant.
Genome position (GRCh38, 1-based): chr16:30,086,529, G deleted on the plus strand (C on the coding strand, the reverse complement: TBX6 is on the minus strand); the first of 5 consecutive G bases (chr16:30,086,529-30,086,533); deleting any one gives the same sequence. VCF-style (leftmost placement, unchanged base first): chr16-30086528-TG-T. GRCh37 (hg19) VCF-style: chr16-30097849-TG-T.
Other names: short protein forms S361fs.
Identifiers: ClinVar variation 2580106 (VCV002580106.1), dbSNP rs2072632992, ClinGen allele CA976253443.